The following is an entry in ClinVar:

ClinVar aggregate classification (germline): Likely pathogenic (1 of 4 stars; one submission).

Conditions:
Hypertrophic cardiomyopathy 26. Also called: Cardiomyopathy, familial hypertrophic, 26. Identifiers: Orphanet 75249, MedGen C4310749, MONDO:0014883, OMIM 617047.
Myofibrillar myopathy 5. Also called: Filaminopathy (type); FILAMINOPATHY, AUTOSOMAL DOMINANT. Identifiers: Orphanet 171445, MedGen C1836050, MONDO:0012289, OMIM 609524.
Distal myopathy with posterior leg and anterior hand involvement. Also called: WILLIAMS DISTAL MYOPATHY. Identifiers: Orphanet 63273, MedGen C3279722, MONDO:0013550, OMIM 614065.

Submission:

Labcorp Genetics (formerly Invitae), Labcorp
Classification: Likely pathogenic for Distal myopathy with posterior leg and anterior hand involvement; Myofibrillar myopathy 5; Hypertrophic cardiomyopathy 26. Last evaluated: 2024-11-05. Review status: criteria provided, single submitter. Criteria: Invitae Variant Classification Sherloc (09022015). Collection method: clinical testing. Allele origin: germline.
Comment: This sequence change affects a donor splice site in intron 1 of the FLNC gene. It is expected to disrupt RNA splicing. Variants that disrupt the donor or acceptor splice site typically lead to a loss of protein function (PMID: 16199547), and loss-of-function variants in FLNC are known to be pathogenic (PMID: 27908349). This variant is not present in population databases (gnomAD no frequency). This variant has not been reported in the literature in individuals affected with FLNC-related conditions. ClinVar contains an entry for this variant (Variation ID: 2953976). Algorithms developed to predict the effect of sequence changes on RNA splicing suggest that this variant may disrupt the consensus splice site. In summary, the currently available evidence indicates that the variant is pathogenic, but additional data are needed to prove that conclusively. Therefore, this variant has been classified as Likely Pathogenic.

Literature cited by the submitters: PubMed 16199547; PubMed 27908349.

NM_001458.5(FLNC):c.352+1G>T

Gene: FLNC (filamin C; plus strand). Cytogenetic location: 7q32.1.
Variant type: single nucleotide variant.
Coding change: c.352+1G>T on transcript NM_001458.5 (MANE Select); the canonical splice donor site of the intron after coding-DNA position 352, G replaced by T.
Molecular consequence: splice donor variant.
Genome position (GRCh38, 1-based): chr7:128,830,990, G>T. VCF-style: chr7-128830990-G-T. GRCh37 (hg19) VCF-style: chr7-128471044-G-T.
Other names: c.352+1G>T (NM_001127487.2).
Identifiers: ClinVar variation 2953976 (VCV002953976.3), dbSNP rs2536605831, ClinGen allele CA369217219.
Genomic context (GRCh38, chr7:128,830,990, plus strand): 5'-AGAACGTGTCCGTGGCCCTCGAGTTCCTCGAGCGCGAGCACATCAAGCTCGTGTCCATAG[G>T]TCAGTGCCGGGGGCGAGGGCACGGGCGCTGCGGGGATAGGGTCGTCCCATGGGGCAGGGG-3'